The following is an entry in ClinVar:

NM_000352.6(ABCC8):c.4268T>G (p.Ile1423Ser)

Gene: ABCC8 (ATP binding cassette subfamily C member 8; minus strand). Cytogenetic location: 11p15.1.
Variant type: single nucleotide variant.
Coding change: c.4268T>G on transcript NM_000352.6 (MANE Select); coding-DNA position 4268, T replaced by G.
Protein change: p.Ile1423Ser; replaces isoleucine 1423 with serine.
Molecular consequence: missense variant. On other transcripts: non-coding transcript variant (1).
Genome position (GRCh38, 1-based): chr11:17,395,649, A>C on the plus strand (T>G on the coding strand, the complement: ABCC8 is on the minus strand). VCF-style: chr11-17395649-A-C. GRCh37 (hg19) VCF-style: chr11-17417196-A-C.
Other names: c.4265T>G, p.Ile1422Ser (NM_001351297.2); c.4271T>G, p.Ile1424Ser (NM_001287174.3); c.4334T>G, p.Ile1445Ser (NM_001351295.2); c.4268T>G, p.Ile1423Ser (NM_001351296.2); short protein forms I1423S, I1424S, I1422S, I1445S.
Identifiers: ClinVar variation 585347 (VCV000585347.2), dbSNP rs1564874456, ClinGen allele CA379786589.
Genomic context (GRCh38, chr11:17,395,649, plus strand): 5'-CTGAGGGGTGGTGGGGCTCACCGGATGGTGCCGCTGAAGAGGACGGGGTCCTGCAGGATG[A>C]TGGAGAGGCGTGAGCGCAGGGTGTGCAGCGGCAGTTTGGCGATGTCAATGCCATCAATGA-3'
Protein context (NP_000343.2, residues 1413-1433): PLHTLRSRLS[Ile1423Ser]ILQDPVLFSG

ClinVar aggregate classification (germline): Uncertain significance. Review status: criteria provided, multiple submitters, no conflicts (2 of 4 stars). 3 submissions from 2 submitters: Uncertain significance (3). Last evaluated 2017-09-07.

Conditions:
Maturity-onset diabetes of the young (MODY). Also called: Maturity onset diabetes mellitus in young. Identifiers: Orphanet 552, MedGen C0342276, MONDO:0018911, HP:0004904.
Transitory neonatal diabetes mellitus. Also called: Transient neonatal diabetes mellitus. Identifiers: MedGen C0342273, MONDO:0020525, HP:0008255.

Submissions (3):

Athena Diagnostics
Classification: Uncertain significance. Last evaluated: 2017-09-07. Review status: criteria provided, single submitter. Criteria: Athena Diagnostics Criteria. Collection method: clinical testing. Allele origin: germline.

Clinical Genomics, Uppaluri K&H Personalized Medicine Clinic
Classification: Uncertain significance for Maturity-onset diabetes of the young. Review status: criteria provided, single submitter. Criteria: K & H Uppaluri Personalized Medicine Clinic Variant Classification & Assertion Criteria_Updated V.1. Collection method: research. Allele origin: somatic. Inheritance: Somatic mutation.
Comment: Mutations in ABCC8 gene are associated with both neonatal diabetes mellitus as well as MODY. Patients with this mutation may have a better response to sulfonylureas. However, no sufficient evidence is found to ascertain the role of this particular variant ( rs1564874456) in MODY yet.

Clinical Genomics, Uppaluri K&H Personalized Medicine Clinic
Classification: Uncertain significance for Transitory neonatal diabetes mellitus. Review status: criteria provided, single submitter. Criteria: K & H Uppaluri Personalized Medicine Clinic Variant Classification & Assertion Criteria_Updated V.1. Collection method: research. Allele origin: somatic. Inheritance: Somatic mutation.
Comment: Mutations in ABCC8 gene are associated with both neonatal diabetes mellitus as well as MODY. Patients with this mutation may have a better response to sulfonylureas. However, no sufficient evidence is found to ascertain the role of this particular variant ( rs1564874456 ) in neonatal diabetes yet.

Literature cited by the submitters: PubMed 16885549 (cited by Clinical Genomics, Uppaluri K&H Personalized Medicine Clinic); PubMed 21989597 (cited by Clinical Genomics, Uppaluri K&H Personalized Medicine Clinic); PubMed 27538677 (cited by Clinical Genomics, Uppaluri K&H Personalized Medicine Clinic); PubMed 18981553 (cited by Clinical Genomics, Uppaluri K&H Personalized Medicine Clinic); PubMed 32027066 (cited by Clinical Genomics, Uppaluri K&H Personalized Medicine Clinic); PubMed 16613899 (cited by Clinical Genomics, Uppaluri K&H Personalized Medicine Clinic); PubMed 18025408 (cited by Clinical Genomics, Uppaluri K&H Personalized Medicine Clinic); PubMed 32792356 (cited by Clinical Genomics, Uppaluri K&H Personalized Medicine Clinic).